The following is an entry in ClinVar:

NM_213599.3(ANO5):c.1962A>G (p.Arg654=)

Gene: ANO5 (anoctamin 5; plus strand). Cytogenetic location: 11p14.3.
Variant type: single nucleotide variant.
Coding change: c.1962A>G on transcript NM_213599.3 (MANE Select); coding-DNA position 1962, A replaced by G.
Protein change: p.Arg654=; no amino-acid change (arginine 654 retained).
Molecular consequence: synonymous variant.
Genome position (GRCh38, 1-based): chr11:22,270,375, A>G. VCF-style: chr11-22270375-A-G. GRCh37 (hg19) VCF-style: chr11-22291921-A-G.
Other names: c.1959A>G, p.Arg653= (NM_001142649.2).
Identifiers: ClinVar variation 384498 (VCV000384498.12), dbSNP rs1057521970, ClinGen allele CA16605884.
Genomic context (GRCh38, chr11:22,270,375, plus strand): 5'-GGCTTTGAATTGGTGGAGACGCCGAAAAGCTCGGACAAACTCTGAGAAGCTGTATAGTCG[A>G]TGGGAGCAGGATCATGACCTTGAAAGTTTTGGACCCCTTGGGCTTTTCTATGAGTACTTA-3'
Protein context (NP_998764.1, residues 644-664): ARTNSEKLYS[Arg654=]WEQDHDLESF

ClinVar aggregate classification (germline): Likely benign. Review status: criteria provided, multiple submitters, no conflicts (2 of 4 stars). 2 submissions from 2 submitters: Likely benign (2). Last evaluated 2022-09-01.

Conditions:
Gnathodiaphyseal dysplasia (GDD). Also called: GNATHODIAPHYSEAL SCLEROSIS; OSTEOGENESIS IMPERFECTA WITH UNUSUAL SKELETAL LESIONS. Identifiers: Orphanet 53697, MedGen C1833736, MONDO:0008151, OMIM 166260.
Autosomal recessive limb-girdle muscular dystrophy type 2L (LGMDR12). Also called: Limb-girdle muscular dystrophy, type 2L; MUSCULAR DYSTROPHY, LIMB-GIRDLE, AUTOSOMAL RECESSIVE 12; Limb-Girdle Muscular Dystrophy R12 Anoctamin-5-Related (LGMD-R12). Identifiers: Orphanet 206549, MedGen C1969785, MONDO:0012652, OMIM 611307.

Submissions (2):

Labcorp Genetics (formerly Invitae), Labcorp
Classification: Likely benign for Autosomal recessive limb-girdle muscular dystrophy type 2L; Gnathodiaphyseal dysplasia. Last evaluated: 2022-09-01. Review status: criteria provided, single submitter. Criteria: Invitae Variant Classification Sherloc (09022015). Collection method: clinical testing. Allele origin: germline.

GeneDx
Classification: Likely benign. Last evaluated: 2016-03-16. Review status: criteria provided, single submitter. Criteria: GeneDx Variant Classification (06012015). Collection method: clinical testing. Allele origin: germline. Affected: yes.
Comment: This variant is considered likely benign or benign based on one or more of the following criteria: it is a conservative change, it occurs at a poorly conserved position in the protein, it is predicted to be benign by multiple in silico algorithms, and/or has population frequency not consistent with disease.